The following is an entry in ClinVar:

ClinVar aggregate classification (germline): Uncertain significance (1 of 4 stars; one submission).

Submission:

CeGaT Center for Human Genetics Tuebingen
Classification: Uncertain significance. Last evaluated: 2026-01-01. Review status: criteria provided, single submitter. Criteria: CeGaT Center For Human Genetics Tuebingen Variant Classification Criteria Version 2. Collection method: clinical testing. Allele origin: germline. Affected: yes. Observed: 1 variant allele.
Comment: MBD5: PM2

NM_001378120.1(MBD5):c.544T>C (p.Tyr182His)

Gene: MBD5 (methyl-CpG binding domain protein 5; plus strand). Cytogenetic location: 2q23.1.
Variant type: single nucleotide variant.
Coding change: c.544T>C on transcript NM_001378120.1 (MANE Select); coding-DNA position 544, T replaced by C.
Protein change: p.Tyr182His; replaces tyrosine 182 with histidine.
Molecular consequence: missense variant.
Genome position (GRCh38, 1-based): chr2:148,468,487, T>C. VCF-style: chr2-148468487-T-C. GRCh37 (hg19) VCF-style: chr2-149226056-T-C.
Other names: c.544T>C, p.Tyr182His (NM_001438854.1, NM_001438855.1, NM_001438856.1 and 7 more transcripts); short protein forms Y182H.
Identifiers: ClinVar variation 4822900 (VCV004822900.4).